The following is an entry in ClinVar:

ClinVar aggregate classification (germline): Uncertain significance. Review status: criteria provided, multiple submitters, no conflicts (2 of 4 stars). 2 submissions from 2 submitters: Uncertain significance (2). Last evaluated 2025-09-30.

Conditions:
Hereditary cancer-predisposing syndrome. Also called: Tumor predisposition; Hereditary Cancer Syndrome; Hereditary neoplastic syndrome; Neoplastic Syndromes, Hereditary. Identifiers: Orphanet 140162, MedGen C0027672, MeSH D009386, MONDO:0015356.
Mitochondrial complex II deficiency, nuclear type 1. Also called: SUCCINATE CoQ REDUCTASE DEFICIENCY. Identifiers: Orphanet 3208, MedGen C5700310, MONDO:0100294, OMIM 252011.
Pheochromocytoma/paraganglioma syndrome 5. Also called: Paragangliomas 5; SDHA-Related Hereditary Paraganglioma-Pheochromocytoma Syndrome. Identifiers: Orphanet 29072, MedGen C3279992, MONDO:0013602, OMIM 614165.

Submissions (2):

Ambry Genetics
Classification: Uncertain significance for Hereditary cancer-predisposing syndrome. Last evaluated: 2025-09-30. Review status: criteria provided, single submitter. Criteria: Ambry Variant Classification Scheme 2023. Collection method: clinical testing. Allele origin: germline.
Comment: The p.C654S variant (also known as c.1960T>A), located in coding exon 15 of the SDHA gene, results from a T to A substitution at nucleotide position 1960. The cysteine at codon 654 is replaced by serine, an amino acid with dissimilar properties. This amino acid position is highly conserved in available vertebrate species. In addition, this alteration is predicted to be deleterious by in silico analysis. Based on the available evidence, the clinical significance of this variant remains unclear.

Labcorp Genetics (formerly Invitae), Labcorp
Classification: Uncertain significance for Pheochromocytoma/paraganglioma syndrome 5; Mitochondrial complex II deficiency, nuclear type 1. Last evaluated: 2023-11-09. Review status: criteria provided, single submitter. Criteria: Invitae Variant Classification Sherloc (09022015). Collection method: clinical testing. Allele origin: germline.
Comment: This sequence change replaces cysteine, which is neutral and slightly polar, with serine, which is neutral and polar, at codon 654 of the SDHA protein (p.Cys654Ser). This variant is not present in population databases (gnomAD no frequency). This variant has not been reported in the literature in individuals affected with SDHA-related conditions. ClinVar contains an entry for this variant (Variation ID: 1783432). Advanced modeling of protein sequence and biophysical properties (such as structural, functional, and spatial information, amino acid conservation, physicochemical variation, residue mobility, and thermodynamic stability) has been performed at Invitae for this missense variant, however the output from this modeling did not meet the statistical confidence thresholds required to predict the impact of this variant on SDHA protein function. In summary, the available evidence is currently insufficient to determine the role of this variant in disease. Therefore, it has been classified as a Variant of Uncertain Significance.

NM_004168.4(SDHA):c.1960T>A (p.Cys654Ser)

Gene: SDHA (succinate dehydrogenase complex flavoprotein subunit A; plus strand). Cytogenetic location: 5p15.33.
Variant type: single nucleotide variant.
Coding change: c.1960T>A on transcript NM_004168.4 (MANE Select); coding-DNA position 1960, T replaced by A.
Protein change: p.Cys654Ser; replaces cysteine 654 with serine.
Molecular consequence: missense variant.
Genome position (GRCh38, 1-based): chr5:256,385, T>A. VCF-style: chr5-256385-T-A. GRCh37 (hg19) VCF-style: chr5-256500-T-A.
Other names: c.1816T>A, p.Cys606Ser (NM_001294332.2); c.1717T>A, p.Cys573Ser (NM_001330758.2); short protein forms C573S, C606S, C654S.
Identifiers: ClinVar variation 1783432 (VCV001783432.8), dbSNP rs60587941, ClinGen allele CA359002996.